The following is an entry in ClinVar:

NM_001195518.2(MICU1):c.736-224G>A

Gene: MICU1 (mitochondrial calcium uptake 1; minus strand). Cytogenetic location: 10q22.1.
Variant type: single nucleotide variant.
Coding change: c.736-224G>A on transcript NM_001195518.2 (MANE Select); 224 bases into the intron before coding-DNA position 736, G replaced by A.
Molecular consequence: intron variant.
Genome position (GRCh38, 1-based): chr10:72,475,521, C>T on the plus strand (G>A on the coding strand, the complement: MICU1 is on the minus strand). VCF-style: chr10-72475521-C-T. GRCh37 (hg19) VCF-style: chr10-74235279-C-T.
Other names: c.742-224G>A (NM_006077.4); c.754-224G>A (NM_001363513.2); c.142-224G>A (NM_001195519.2).
Identifiers: ClinVar variation 673739 (VCV000673739.1), dbSNP rs112664163, ClinGen allele CA209795807.

ClinVar aggregate classification (germline): Benign (1 of 4 stars; one submission).

Allele frequency attached by ClinVar (database versions not stated): gnomAD 0.05420 and 0.05829; 1000 Genomes Project 0.05631; TOPMed 0.06095; 1000 Genomes Project 30x 0.06230.
gnomAD v4.1: 8,153 of 151,956 alleles (5.4%); highest among the groups gnomAD compares: African/African-American, 19%; 750 homozygotes.

Submission:

GeneDx
Classification: Benign. Last evaluated: 2018-06-16. Review status: criteria provided, single submitter. Criteria: GeneDx Variant Classification (06012015). Collection method: clinical testing. Allele origin: germline. Affected: yes.
Comment: This variant is considered likely benign or benign based on one or more of the following criteria: it is a conservative change, it occurs at a poorly conserved position in the protein, it is predicted to be benign by multiple in silico algorithms, and/or has population frequency not consistent with disease.